The following is an entry in ClinVar:

NM_001267550.2(TTN):c.42588_42589del (p.His14196fs)

Gene: TTN (titin; minus strand). Cytogenetic location: 2q31.2.
Variant type: Microsatellite.
Coding change: c.42588_42589del on transcript NM_001267550.2 (MANE Select); coding-DNA positions 42588 to 42589, 2 bases deleted (CA; older notation c.42588_42589delCA).
Protein change: p.His14196fs; shifts the reading frame from histidine 14196.
Molecular consequence: frameshift variant.
Genome position (GRCh38, 1-based): chr2:178,633,910-178,633,911, TG deleted on the plus strand (CA on the coding strand, the reverse complement: TTN is on the minus strand); deleting any 2 consecutive bases within chr2:178,633,910-178,633,913 gives the same sequence; the c. name uses the placement nearest the transcript's 3' end. VCF-style (leftmost placement, unchanged base first): chr2-178633909-TTG-T. GRCh37 (hg19) VCF-style: chr2-179498636-TTG-T.
Other names: c.37665_37666del, p.His12555fs (NM_001256850.1); c.15393_15394del, p.His5131fs (NM_003319.4); c.34884_34885del, p.His11628fs (NM_133378.4); c.15768_15769del, p.His5256fs (NM_133432.3); c.15969_15970del, p.His5323fs (NM_133437.4); short protein forms H5131fs, H11628fs, H5323fs, H14196fs, H5256fs, H12555fs.
Identifiers: ClinVar variation 4787232 (VCV004787232.1).

ClinVar aggregate classification (germline): Likely pathogenic (1 of 4 stars; one submission).

Conditions:
Autosomal recessive limb-girdle muscular dystrophy type 2J (LGMDR10). Also called: Limb-girdle muscular dystrophy, type 2J; MUSCULAR DYSTROPHY, LIMB-GIRDLE, AUTOSOMAL RECESSIVE 10. Identifiers: Orphanet 140922, MedGen C1837342, MONDO:0012127, OMIM 608807.
Dilated cardiomyopathy 1G (CMD1G). Identifiers: Orphanet 154, MedGen C1858763, MONDO:0011400, OMIM 604145.

Submission:

Labcorp Genetics (formerly Invitae), Labcorp
Classification: Likely pathogenic for Dilated cardiomyopathy 1G; Autosomal recessive limb-girdle muscular dystrophy type 2J. Last evaluated: 2026-01-11. Review status: criteria provided, single submitter. Criteria: Invitae Variant Classification Sherloc (09022015). Collection method: clinical testing. Allele origin: germline.
Comment: This sequence change creates a premature translational stop signal (p.His14196Glnfs*11) in the TTN gene. While this is not anticipated to result in nonsense mediated decay, it is expected to create a truncated TTN protein. This variant is not present in population databases (gnomAD no frequency). This variant has not been reported in the literature in individuals affected with TTN-related conditions. This variant is located in the I band of TTN (PMID: 25589632). Truncating variants in this region have been reported in individuals affected with autosomal recessive centronuclear myopathy (PMID: 23975875, internal data). Truncating variants in this region have also been identified in individuals affected with autosomal dominant dilated cardiomyopathy and/or cardio-related conditions (PMID: 27869827, 32964742, internal data). In summary, the currently available evidence indicates that the variant is pathogenic, but additional data are needed to prove that conclusively. Therefore, this variant has been classified as Likely Pathogenic.

Literature cited by the submitters: PubMed 25589632; PubMed 23975875; PubMed 27869827; PubMed 32964742.